The following is an entry in ClinVar:

NM_004333.6(BRAF):c.980+2510T>A

Gene: BRAF (B-Raf proto-oncogene, serine/threonine kinase; minus strand). Cytogenetic location: 7q34.
Variant type: single nucleotide variant.
Coding change: c.980+2510T>A on transcript NM_004333.6 (MANE Select); 2510 bases into the intron after coding-DNA position 980, T replaced by A.
Molecular consequence: intron variant.
Genome position (GRCh38, 1-based): chr7:140,797,852, A>T on the plus strand (T>A on the coding strand, the complement: BRAF is on the minus strand). VCF-style: chr7-140797852-A-T. GRCh37 (hg19) VCF-style: chr7-140497652-A-T.
Other names: c.980+2510T>A (NM_001378474.1, NM_001378471.1, NM_001378468.1 and 4 more transcripts); c.878+2510T>A (NM_001378470.1); c.716+2510T>A (NM_001378475.1); c.989+2510T>A (NM_001378467.1); c.824+2510T>A (NM_001378472.1, NM_001378473.1).
Identifiers: ClinVar variation 2658082 (VCV002658082.24), dbSNP rs542432767, ClinGen allele CA168103593.

ClinVar aggregate classification (germline): Likely benign (1 of 4 stars; one submission).

Allele frequency attached by ClinVar (database versions not stated): gnomAD 0.00010; TOPMed 0.00010; 1000 Genomes Project 0.00080; 1000 Genomes Project 30x 0.00094.
gnomAD v4.1: 16 of 152,284 alleles (0.011%); highest among the groups gnomAD compares: South Asian, 0.15%; no homozygotes.

Submission:

CeGaT Center for Human Genetics Tuebingen
Classification: Likely benign. Last evaluated: 2026-03-01. Review status: criteria provided, single submitter. Criteria: CeGaT Center For Human Genetics Tuebingen Variant Classification Criteria Version 2. Collection method: clinical testing. Allele origin: germline. Affected: yes. Observed: 4 variant alleles.
Comment: BRAF: BS1